The following is an entry in ClinVar:

NM_138694.4(PKHD1):c.9319C>T (p.Arg3107Ter)

Gene: PKHD1 (PKHD1 ciliary IPT domain containing fibrocystin/polyductin; minus strand). Cytogenetic location: 6p12.3.
Variant type: single nucleotide variant.
Coding change: c.9319C>T on transcript NM_138694.4 (MANE Select); coding-DNA position 9319, C replaced by T.
Protein change: p.Arg3107Ter; replaces arginine 3107 with a stop codon.
Molecular consequence: nonsense.
Genome position (GRCh38, 1-based): chr6:51,748,297, G>A on the plus strand (C>T on the coding strand, the complement: PKHD1 is on the minus strand). VCF-style: chr6-51748297-G-A. GRCh37 (hg19) VCF-style: chr6-51613095-G-A.
Other names: c.9319C>T, p.Arg3107Ter (NM_170724.3); c.9319C>T (NM_170724.2); short protein forms R3107*.
Identifiers: ClinVar variation 189090 (VCV000189090.29), dbSNP rs786204688, ClinGen allele CA274366.

ClinVar aggregate classification (germline): Pathogenic. Review status: criteria provided, multiple submitters, no conflicts (2 of 4 stars). 11 submissions from 11 submitters: Pathogenic (10). 1 of the submissions does not count toward it. Last evaluated 2026-02-13.

Conditions:
PKHD1-related disorder. Also called: PKHD1-related condition.
Polycystic kidney disease 4 (PKD4). Also called: Autosomal Recessive Polycystic Kidney Disease – PKHD1; POLYCYSTIC KIDNEY DISEASE 4 WITH OR WITHOUT POLYCYSTIC LIVER DISEASE; PKD3; POLYCYSTIC KIDNEY AND HEPATIC DISEASE 1; POLYCYSTIC KIDNEY DISEASE, INFANTILE, TYPE I. Identifiers: MedGen C4540575, MONDO:0033004, OMIM 263200.
Autosomal recessive polycystic kidney disease (ARPKD). Also called: AR polycystic kidney disease. Identifiers: Orphanet 731, Orphanet 8378, MedGen C0085548, MeSH D017044, MONDO:0009889.

Allele frequency attached by ClinVar (database versions not stated): TOPMed below 0.00001; gnomAD 0.00001; gnomAD exomes 0.00001.
gnomAD v4.1: 14 of 1,613,870 alleles (0.00087%); highest among the groups gnomAD compares: African/African-American, 0.0013%; no homozygotes.

Submissions (11):

OLLIN Analises Genomicas, OLLIN
Classification: Pathogenic for Polycystic kidney disease 4. Last evaluated: 2026-02-13. Review status: criteria provided, single submitter. Criteria: ACMG Guidelines 2015 PMID 25741868. Collection method: clinical testing. Allele origin: germline. Observed: 1 variant allele.
Comment: PVS1, PM2_P, PM3_S

PreventionGenetics, part of Exact Sciences
Classification: Pathogenic for PKHD1-related condition. Last evaluated: 2025-12-24. Review status: criteria provided, single submitter. Criteria: ACMG Guidelines, 2015. Collection method: clinical testing. Allele origin: germline.
Comment: The PKHD1 c.9319C>T variant is predicted to result in premature protein termination (p.Arg3107*). This variant has been reported in the homozygous and compound heterozygous state to be pathogenic for autosomal recessive polycystic kidney disease (ARPKD) (see for example, Bergmann et al. 2003. PubMed ID: 12506140; Suppl. Table S2, Jayasinghe et al. 2020. PubMed ID: 32939031). This variant has not been reported in a large population database (gnomAD), indicating this variant is rare. Nonsense variants in PKHD1 are expected to be pathogenic. This variant is interpreted as pathogenic.

Labcorp Genetics (formerly Invitae), Labcorp
Classification: Pathogenic for Autosomal recessive polycystic kidney disease. Last evaluated: 2025-12-23. Review status: criteria provided, single submitter. Criteria: Invitae Variant Classification Sherloc (09022015). Collection method: clinical testing. Allele origin: germline.
Comment: This sequence change creates a premature translational stop signal (p.Arg3107*) in the PKHD1 gene. It is expected to result in an absent or disrupted protein product. Loss-of-function variants in PKHD1 are known to be pathogenic (PMID: 19940839). This variant is not present in population databases (gnomAD no frequency). This premature translational stop signal has been observed in individual(s) with PKHD1-related conditions (PMID: 12506140, 23389334, 31010483). ClinVar contains an entry for this variant (Variation ID: 189090). For these reasons, this variant has been classified as Pathogenic.

Natera, Inc.
Classification: Pathogenic for Autosomal recessive polycystic kidney disease. Last evaluated: 2025-07-24. Review status: criteria provided, single submitter. Criteria: Natera Variant Classification Schema (03/2026). Collection method: clinical testing. Allele origin: germline.
Comment: The c.9319C>T variant in PKHD1 is a nonsense variant predicted to introduce a stop codon at amino acid 3107. This variant is expected to result in nonsense mediated decay, truncation, or a dysfunctional protein product. This variant is rare in the general population with a frequency below the threshold expected for the associated phenotype(s). This variant has been observed in one or more individuals affected with the associated recessive disease, as either homozygous or compound heterozygous with a second variant (PMID: 32939031). Given the available evidence, this variant is classified as Pathogenic.

3billion
Classification: Pathogenic for Polycystic kidney disease 4. Last evaluated: 2024-03-11. Review status: criteria provided, single submitter. Criteria: ACMG Guidelines, 2015. Collection method: clinical testing. Allele origin: germline. Affected: yes.
Comment: The variant is not observed in the gnomAD v2.1.1 dataset. Predicted Consequence/Location: Stop-gained (nonsense): predicted to result in a loss or disruption of normal protein function through nonsense-mediated decay (NMD) or protein truncation. Multiple pathogenic variants are reported downstream of the variant. The variant has been reported at least twice as pathogenic with clinical assertions and evidence for the classification (ClinVar ID: VCV000189090 /PMID: 12506140). Therefore, this variant is classified as Pathogenic according to the recommendation of ACMG/AMP guideline.

Victorian Clinical Genetics Services, Murdoch Childrens Research Institute
Classification: Pathogenic for Polycystic kidney disease 4. Last evaluated: 2022-06-24. Review status: criteria provided, single submitter. Criteria: ACMG Guidelines, 2015. Collection method: clinical testing. Allele origin: germline. Inheritance: Autosomal recessive inheritance. Affected: yes.
Comment: Based on the classification scheme VCGS_Germline_v1.3.4, this variant is classified as Pathogenic. Following criteria are met: 0102 - Loss of function is a known mechanism of disease in this gene and is associated with polycystic kidney disease 4, with or without hepatic disease (MIM#263200). (I) 0106 - This gene is associated with autosomal recessive disease. (I) 0115 - Variants in this gene are known to have variable expressivity and is widely reported to show inter- and intra-familial phenotypic variability (OMIM, PMID: 12506140). (I) 0201 - Variant is predicted to cause nonsense-mediated decay (NMD) and loss of protein (premature termination codon is located at least 54 nucleotides upstream of the final exon-exon junction). (SP) 0251 - This variant is heterozygous. (I) 0304 - Variant is present in gnomAD (v3) <0.01 for a recessive condition (1 heterozygote, 0 homozygotes). (SP) 0801 - This variant has strong previous evidence of pathogenicity in unrelated individuals. This variant has been reported multiple times as pathogenic in ClinVar. It has also been reported in multiple individuals with recessive polycystic kidney disease (PMID: 12506140, 34536170). (SP) 0701 - Other NMD predicted variants comparable to the one identified in this case have very strong previous evidence for pathogenicity (ClinVar). (SP) Legend: (SP) - Supporting pathogenic, (I) - Information, (SB) - Supporting benign

Blueprint Genetics
Classification: Pathogenic for PKHD1-related disorders. Last evaluated: 2021-10-15. Review status: criteria provided, single submitter. Criteria: ACMG Guidelines, 2015. Collection method: clinical testing. Allele origin: germline. Affected: yes. Observed: 1 variant allele.

Women's Health and Genetics/Laboratory Corporation of America, LabCorp
Classification: Pathogenic for Autosomal recessive polycystic kidney disease. Last evaluated: 2016-05-13. Review status: criteria provided, single submitter. Criteria: LabCorp Variant Classification Summary - May 2015. Collection method: clinical testing. Allele origin: germline.
Comment: Variant summary: The PKHD1 c.9319C>T (p.Arg3107X) variant results in a premature termination codon, predicted to cause a truncated or absent PKHD1 protein due to nonsense mediated decay, which are commonly known mechanisms for disease. This variant is located in exon 58 and PKHD1 has 67 exons, and nonsense variants downstream of this variant have been reported as pathogenic in ClinVar (i.e. p.Leu3344Ter, p.Gln3407Ter). One in silico tool predicts a damaging outcome for this variant. This variant has been reported in numerous ARPKD cases in both compound heterozygous and homozygous states, and is absent in 121354 control chromosomes. In addition, multiple clinical diagnostic laboratories/reputable databases classified this variant as likely pathogenic/pathogenic. Taken together, this variant is classified as pathogenic.

Eurofins Ntd Llc (ga)
Classification: Pathogenic. Last evaluated: 2015-03-24. Review status: criteria provided, single submitter. Criteria: EGL Classification Definitions 2015. Collection method: clinical testing. Allele origin: germline. Observed: 2 variant alleles, 2 heterozygotes.

Baylor Genetics
Classification: Pathogenic for Polycystic kidney disease 4. Review status: criteria provided, single submitter. Criteria: ACMG Guidelines, 2015. Collection method: clinical testing. Allele origin: germline.

Counsyl
Classification: Likely pathogenic for Polycystic kidney disease, infantile type. Last evaluated: 2014-12-13. Review status: no assertion criteria provided. Collection method: literature only. Allele origin: unknown. Inheritance: Autosomal recessive inheritance. Not counted in ClinVar's aggregate classification.

Literature cited by the submitters: PubMed 19940839 (cited by Labcorp Genetics (formerly Invitae), Labcorp); PubMed 12506140 (cited by 6 submitters); PubMed 23389334 (cited by 3 submitters); PubMed 31010483 (cited by Labcorp Genetics (formerly Invitae), Labcorp); PubMed 32939031 (cited by Natera, Inc.); PubMed 34536170 (cited by Victorian Clinical Genetics Services, Murdoch Childrens Research Institute); PubMed 15108281 (cited by Counsyl).